The following is an entry in ClinVar:

NM_002335.4(LRP5):c.4025G>A (p.Arg1342Gln)

Gene: LRP5 (LDL receptor related protein 5; plus strand). Cytogenetic location: 11q13.2.
Variant type: single nucleotide variant.
Coding change: c.4025G>A on transcript NM_002335.4 (MANE Select); coding-DNA position 4025, G replaced by A.
Protein change: p.Arg1342Gln; replaces arginine 1342 with glutamine.
Molecular consequence: missense variant.
Genome position (GRCh38, 1-based): chr11:68,436,913, G>A. VCF-style: chr11-68436913-G-A. GRCh37 (hg19) VCF-style: chr11-68204381-G-A.
Other names: c.2282G>A, p.Arg761Gln (NM_001291902.2); c.4025G>A (NM_002335.3); short protein forms R1342Q, R761Q.
Identifiers: ClinVar variation 1482050 (VCV001482050.11), dbSNP rs150088620, ClinGen allele CA6150210.

ClinVar aggregate classification (germline): Uncertain significance. Review status: criteria provided, multiple submitters, no conflicts (2 of 4 stars). 4 submissions from 4 submitters: Uncertain significance (4). Last evaluated 2025-09-04.

Conditions:
Polycystic liver disease 4 with or without kidney cysts. Identifiers: MedGen C4693479, MONDO:0044327, OMIM 617875.
Exudative vitreoretinopathy 4 (EVR4). Identifiers: Orphanet 891, MedGen C1866176, MONDO:0011151, OMIM 601813.
Osteoporosis with pseudoglioma (OPPG). Also called: osteoporosis-pseudoglioma syndrome. Identifiers: Orphanet 2788, MedGen C0432252, MONDO:0009820, OMIM 259770.
Worth disease. Also called: Autosomal dominant osteosclerosis, Worth type; OSTEOSCLEROSIS, AUTOSOMAL DOMINANT; ENDOSTEAL HYPEROSTOSIS, AUTOSOMAL DOMINANT. Identifiers: Orphanet 2790, MedGen C0432273, MONDO:0007764, OMIM 144750.
Bone mineral density quantitative trait locus 1 (BMND1). Identifiers: MedGen C1866079, OMIM 601884.
Autosomal dominant osteopetrosis 1 (OPTA1). Also called: OSTEOPETROSIS, AUTOSOMAL DOMINANT, TYPE I. Identifiers: Orphanet 2783, MedGen C1843330, MONDO:0011877, OMIM 607634.
LRP5-related disorder. Also called: LRP5-related condition.

Allele frequency attached by ClinVar (database versions not stated): 1000 Genomes Project 0.00040; 1000 Genomes Project 30x 0.00047.
gnomAD v4.1: 17 of 1,613,800 alleles (0.0011%); highest among the groups gnomAD compares: East Asian, 0.02%; no homozygotes.

Submissions (4):

PreventionGenetics, part of Exact Sciences
Classification: Uncertain significance for LRP5-related condition. Last evaluated: 2025-09-04. Review status: criteria provided, single submitter. Criteria: ACMG Guidelines, 2015. Collection method: clinical testing. Allele origin: germline.
Comment: The LRP5 c.4025G>A variant is predicted to result in the amino acid substitution p.Arg1342Gln. This variant was reported in the heterozygous state in individuals with familial exudative vitreoretinopathy or inherited eye disease (Yang et al. 2012. PubMed ID: 23077402; Chen et al. 2019. PubMed ID: 31237656; supplementary data, Li et al. 2023. PubMed ID: 36729443; Ju et al. 2024. PubMed ID: 38280677). This variant is reported in 0.040% of alleles in individuals of East Asian descent in gnomAD. At this time, the clinical significance of this variant is uncertain due to the absence of conclusive functional and genetic evidence.

Labcorp Genetics (formerly Invitae), Labcorp
Classification: Uncertain significance. Last evaluated: 2025-07-09. Review status: criteria provided, single submitter. Criteria: Invitae Variant Classification Sherloc (09022015). Collection method: clinical testing. Allele origin: germline.
Comment: This sequence change replaces arginine, which is basic and polar, with glutamine, which is neutral and polar, at codon 1342 of the LRP5 protein (p.Arg1342Gln). This variant is present in population databases (rs150088620, gnomAD 0.04%). This missense change has been observed in individuals with clinical features of autosomal dominant familial exudative vitreoretinopathy (PMID: 23077402, 31237656, 36729443, 38280677). ClinVar contains an entry for this variant (Variation ID: 1482050). Invitae Evidence Modeling of protein sequence and biophysical properties (such as structural, functional, and spatial information, amino acid conservation, physicochemical variation, residue mobility, and thermodynamic stability) indicates that this missense variant is not expected to disrupt LRP5 protein function with a negative predictive value of 95%. In summary, the available evidence is currently insufficient to determine the role of this variant in disease. Therefore, it has been classified as a Variant of Uncertain Significance.

Fulgent Genetics
Classification: Uncertain significance for Worth disease; Osteoporosis with pseudoglioma; Exudative vitreoretinopathy 4; Bone mineral density quantitative trait locus 1; Autosomal dominant osteopetrosis 1; Polycystic liver disease 4 with or without kidney cysts. Last evaluated: 2024-05-14. Review status: criteria provided, single submitter. Criteria: ACMG Guidelines, 2015. Collection method: clinical testing. Allele origin: germline.

Blueprint Genetics
Classification: Uncertain significance. Last evaluated: 2023-12-14. Review status: criteria provided, single submitter. Criteria: ACMG Guidelines, 2015. Collection method: clinical testing. Allele origin: germline.

Literature cited by the submitters: PubMed 23077402 (cited by Labcorp Genetics (formerly Invitae), Labcorp); PubMed 31237656 (cited by Labcorp Genetics (formerly Invitae), Labcorp); PubMed 36729443 (cited by Labcorp Genetics (formerly Invitae), Labcorp); PubMed 38280677 (cited by Labcorp Genetics (formerly Invitae), Labcorp).